The following is an entry in ClinVar:

NM_003872.3(NRP2):c.2645T>C (p.Leu882Pro)

Gene: NRP2 (neuropilin 2; plus strand). Cytogenetic location: 2q33.3.
Variant type: single nucleotide variant.
Coding change: c.2645T>C on transcript NM_003872.3 (MANE Select); coding-DNA position 2645, T replaced by C.
Protein change: p.Leu882Pro; replaces leucine 882 with proline.
Molecular consequence: missense variant.
Genome position (GRCh38, 1-based): chr2:205,794,922, T>C. VCF-style: chr2-205794922-T-C. GRCh37 (hg19) VCF-style: chr2-206659646-T-C.
Other names: c.2660T>C, p.Leu887Pro (NM_201266.2); c.2594T>C, p.Leu865Pro (NM_201279.2); short protein forms L865P, L882P, L887P.
Identifiers: ClinVar variation 3347691 (VCV003347691.1).

ClinVar aggregate classification (germline): Uncertain significance (0 of 4 stars; one submission).

Conditions:
NRP2-related disorder. Also called: NRP2-related condition.

Submission:

PreventionGenetics, part of Exact Sciences
Classification: Uncertain significance for NRP2-related condition. Last evaluated: 2024-09-23. Review status: no assertion criteria provided. Collection method: clinical testing. Allele origin: germline.
Comment: The NRP2 c.2660T>C variant is predicted to result in the amino acid substitution p.Leu887Pro. To our knowledge, this variant has not been reported in the literature or in a large population database, indicating this variant is rare. At this time, the clinical significance of this variant is uncertain due to the absence of conclusive functional and genetic evidence.